The following is an entry in ClinVar:

NM_000551.4(VHL):c.473T>G (p.Leu158Arg)

Genes: VHL (von Hippel-Lindau tumor suppressor; plus strand), LOC107303340 (3p25 von Hippel-Lindau tumor suppressor, E3 ubiquitin protein ligase Alu-mediated recombination region; plus strand). Cytogenetic location: 3p25.3.
Variant type: single nucleotide variant.
Coding change: c.473T>G on transcript NM_000551.4 (MANE Select); coding-DNA position 473, T replaced by G.
Protein change: p.Leu158Arg; replaces leucine 158 with arginine.
Molecular consequence: missense variant. On other transcripts: 3 prime UTR variant (1), non-coding transcript variant (1).
Genome position (GRCh38, 1-based): chr3:10,149,796, T>G. VCF-style: chr3-10149796-T-G. GRCh37 (hg19) VCF-style: chr3-10191480-T-G.
Other names: c.*27T>G (NM_001354723.2); c.350T>G, p.Leu117Arg (NM_198156.3); short protein forms L117R, L158R.
Identifiers: ClinVar variation 4558139 (VCV004558139.2).

ClinVar aggregate classification (germline): Pathogenic/Likely pathogenic. Review status: criteria provided, multiple submitters, no conflicts (2 of 4 stars). 2 submissions from 2 submitters: Pathogenic (1); Likely pathogenic (1). Last evaluated 2025-10-17.

Conditions:
VHL-related disorder. Also called: VHL-related condition.
Hereditary cancer-predisposing syndrome. Also called: Neoplastic Syndromes, Hereditary; Tumor predisposition; Hereditary Cancer Syndrome; Hereditary neoplastic syndrome. Identifiers: Orphanet 140162, MedGen C0027672, MeSH D009386, MONDO:0015356.

Submissions (2):

Ambry Genetics
Classification: Pathogenic for Hereditary cancer-predisposing syndrome. Last evaluated: 2025-10-17. Review status: criteria provided, single submitter. Criteria: Ambry Variant Classification Scheme 2023. Collection method: clinical testing. Allele origin: germline.
Comment: The p.L158R pathogenic mutation (also known as c.473T>G), located in coding exon 3 of the VHL gene, results from a T to G substitution at nucleotide position 473. The leucine at codon 158 is replaced by arginine, an amino acid with dissimilar properties. This variant was determined to be functionally deleterious in one saturation genome editing assay (Buckley M et al. Nat Genet. 2024 Jul;56:1446-1455). Other variant(s) at the same codon, p.L158P (c.473T>C), p.L158V (c.472C>G), have been identified in individual(s) with features consistent with von Hippel-Lindau syndrome (Crossey PA et al. Hum Mol Genet. 1994 Aug;3:1303-8; Zbar B et al. Hum Mutat. 1996;8:348-57; Gergics P et al. Eur J Endocrinol. 2009 Sep;161:495-502; Whaley JM et al. Am J Hum Genet. 1994 Dec;55:1092-102; Chen F et al. Hum Mutat. 1995;5:66-75; Olschwang S et al. Hum Mutat. 1998;12:424-30; McClellan AJ et al. Cell. 2005 Jun;121:739-48; Bangiyeva V et al. BMC Cancer. 2009 Jul;9:229; Buckley M et al. Nat Genet. 2024 Jul;56:1446-1455). This amino acid position is highly conserved in available vertebrate species. In addition, this alteration is predicted to be deleterious by in silico analysis. This variant is considered to be rare based on population cohorts in the Genome Aggregation Database (gnomAD). Based on the supporting evidence, this variant is interpreted as a disease-causing mutation.

PreventionGenetics, part of Exact Sciences
Classification: Likely pathogenic for VHL-related condition. Last evaluated: 2025-09-10. Review status: criteria provided, single submitter. Criteria: ACMG Guidelines, 2015. Collection method: clinical testing. Allele origin: germline.
Comment: The VHL c.473T>G variant is predicted to result in the amino acid substitution p.Leu158Arg. To our knowledge, this variant has not been reported in the literature or in a large population database (gnomAD), indicating this variant is rare. At the time of reporting, this variant is not listed in the ClinVar database. Two alternate variants resulting in changes to the same amino acid (p.Leu158) have been classified as pathogenic in ClinVar (Variation IDs: 182980 (p.Leu158Pro) and 567944 (p.Leu158Val)). The p.Leu158Pro variant has been observed in individuals with personal and family histories of von Hippel-Lindau syndrome and renal cell carcinoma (see for example Gallou et al. 1999. PubMed ID: 10408776; referred to as Leu to Pro aa 229 in Whaley et al. 1994. PubMed ID: 7977367), and functional studies have demonstrated that this variant leads to an unstable protein product, impaired ability to bind to Elongin B and C proteins, and altered cell morphology (Bangiyeva et al. 2009. PubMed ID: 19602254; Kamura et al. 2000. PubMed ID: 10973499). The p.Leu158Val variant has been observed in individuals with von Hippel-Lindau syndrome and pheochromocytomas (see for example Yoshida et al. 2000. PubMed ID: 10761708; (confirmed de novo in proband) Gergics et al. 2009. PubMed ID: 19574279), and functional analysis demonstrated the p.Leu158Val protein retained HIF1/2α degradation function but altered p53 signaling (Razafinjatovo et al. 2017. PubMed ID: 28052007). Taken together, this data suggests the p.Leu158 amino acid is important for VHL protein function. We classify this variant as likely pathogenic.

Literature cited by the submitters: PubMed 15935760 (cited by Ambry Genetics); PubMed 19574279 (cited by Ambry Genetics); PubMed 19602254 (cited by Ambry Genetics); PubMed 38969834 (cited by Ambry Genetics); PubMed 7728151 (cited by Ambry Genetics); PubMed 7977367 (cited by Ambry Genetics); PubMed 7987306 (cited by Ambry Genetics); PubMed 8956040 (cited by Ambry Genetics); PubMed 9829912 (cited by Ambry Genetics).